The following is an entry in ClinVar:

ClinVar aggregate classification (germline): Uncertain significance (1 of 4 stars; one submission).

gnomAD v4.1: 1 of 1,533,780 alleles (0.000065%); no homozygotes.

Submission:

CeGaT Center for Human Genetics Tuebingen
Classification: Uncertain significance. Last evaluated: 2024-04-01. Review status: criteria provided, single submitter. Criteria: CeGaT Center For Human Genetics Tuebingen Variant Classification Criteria Version 2. Collection method: clinical testing. Allele origin: germline. Affected: yes. Observed: 1 variant allele.
Comment: ZFHX2: PM2, BP4

NM_033400.3(ZFHX2):c.1034C>T (p.Pro345Leu)

Genes: THTPA (thiamine triphosphatase; plus strand), ZFHX2 (zinc finger homeobox 2; minus strand). Cytogenetic location: 14q11.2.
Variant type: single nucleotide variant.
Coding change: c.1034C>T on transcript NM_033400.3 (MANE Select); coding-DNA position 1034, C replaced by T.
Protein change: p.Pro345Leu; replaces proline 345 with leucine.
Molecular consequence: missense variant.
Genome position (GRCh38, 1-based): chr14:23,534,292, G>A on the plus strand (C>T on the coding strand, the complement: ZFHX2 is on the minus strand). VCF-style: chr14-23534292-G-A. GRCh37 (hg19) VCF-style: chr14-24003501-G-A.
Other names: short protein forms P345L.
Identifiers: ClinVar variation 3234791 (VCV003234791.20), dbSNP rs2502159281, ClinGen allele CA389044099.
Genomic context (GRCh38, chr14:23,534,292, plus strand): 5'-ACTGGCGATTCTTTGGCTTGGGTTGGGCTGGGGTCCCAGGTGGCTGTGGGTGGAGAGGGT[G>A]GGCTGAGGGCCATAACTTCTTCATCCAGGAGGATAAGGGCCTGGACTTCTGCCTCAGGGG-3'
Protein context (NP_207646.2, residues 335-355): LLDEEVMALS[Pro345Leu]PSPPTATWDP